The following is an entry in ClinVar:

NM_004360.5(CDH1):c.2121T>C (p.Ile707=)

Gene: CDH1 (cadherin 1; plus strand). Cytogenetic location: 16q22.1.
Variant type: single nucleotide variant.
Coding change: c.2121T>C on transcript NM_004360.5 (MANE Select); coding-DNA position 2121, T replaced by C.
Protein change: p.Ile707=; no amino-acid change (isoleucine 707 retained).
Molecular consequence: synonymous variant.
Genome position (GRCh38, 1-based): chr16:68,823,583, T>C. VCF-style: chr16-68823583-T-C. GRCh37 (hg19) VCF-style: chr16-68857486-T-C.
Other names: c.2121T>C (LRG_301t1); c.1938T>C, p.Ile646= (NM_001317184.2); c.573T>C, p.Ile191= (NM_001317185.2); c.156T>C, p.Ile52= (NM_001317186.2).
Identifiers: ClinVar variation 382510 (VCV000382510.21), dbSNP rs764657974, ClinGen allele CA8130195.

ClinVar aggregate classification (germline): Benign/Likely benign. Review status: criteria provided, multiple submitters, no conflicts (2 of 4 stars). 6 submissions from 6 submitters: Benign (2); Likely benign (4). Last evaluated 2025-11-18.

Conditions:
Hereditary cancer-predisposing syndrome. Also called: Hereditary neoplastic syndrome; Tumor predisposition; Neoplastic Syndromes, Hereditary; Hereditary Cancer Syndrome. Identifiers: Orphanet 140162, MedGen C0027672, MeSH D009386, MONDO:0015356.
Hereditary diffuse gastric adenocarcinoma (HDGC). Also called: DIFFUSE GASTRIC AND LOBULAR BREAST CANCER SYNDROME. Identifiers: Orphanet 26106, MedGen C1708349, MONDO:0007648, OMIM 137215.

Allele frequency attached by ClinVar (database versions not stated): gnomAD 0.00001; gnomAD exomes 0.00001 and 0.00003; TOPMed 0.00004; ExAC 0.00007.
gnomAD v4.1: 16 of 1,613,608 alleles (0.00099%); highest among the groups gnomAD compares: African/African-American, 0.016%; no homozygotes.

Submissions (6):

Labcorp Genetics (formerly Invitae), Labcorp
Classification: Likely benign for Hereditary diffuse gastric adenocarcinoma. Last evaluated: 2025-11-18. Review status: criteria provided, single submitter. Criteria: Invitae Variant Classification Sherloc (09022015). Collection method: clinical testing. Allele origin: germline.

Myriad Genetics, Inc.
Classification: Benign for Hereditary diffuse gastric adenocarcinoma. Last evaluated: 2024-09-20. Review status: criteria provided, single submitter. Criteria: Myriad Autosomal Dominant, Autosomal Recessive and X-Linked Classification Criteria (2023). Collection method: clinical testing. Allele origin: unknown.
Comment: This variant is considered benign. This variant is a silent/synonymous amino acid change and it is not expected to impact splicing.

Quest Diagnostics Nichols Institute San Juan Capistrano
Classification: Benign. Last evaluated: 2020-07-10. Review status: criteria provided, single submitter. Criteria: Quest Diagnostics criteria. Collection method: clinical testing. Allele origin: unknown.

Ambry Genetics
Classification: Likely benign for Hereditary cancer-predisposing syndrome. Last evaluated: 2019-05-06. Review status: criteria provided, single submitter. Criteria: Ambry Variant Classification Scheme 2023. Collection method: clinical testing. Allele origin: germline.

GeneDx
Classification: Likely benign. Last evaluated: 2018-05-03. Review status: criteria provided, single submitter. Criteria: GeneDx Variant Classification Process June 2021. Collection method: clinical testing. Allele origin: germline. Affected: yes.

Color Diagnostics, LLC DBA Color Health
Classification: Likely benign for Hereditary cancer-predisposing syndrome. Last evaluated: 2017-12-08. Review status: criteria provided, single submitter. Criteria: ACMG Guidelines, 2015. Collection method: clinical testing. Allele origin: germline.